The following is an entry in ClinVar:

ClinVar aggregate classification (germline): Uncertain significance (1 of 4 stars; one submission).

Conditions:
Dyskeratosis congenita. Identifiers: Orphanet 1775, MedGen C0265965, MONDO:0015780.

gnomAD v4.1: 4 of 1,613,050 alleles (0.00025%); highest among the groups gnomAD compares: South Asian, 0.0033%; no homozygotes.

Submission:

Ambry Genetics
Classification: Uncertain significance for Dyskeratosis congenita. Last evaluated: 2025-04-07. Review status: criteria provided, single submitter. Criteria: Ambry Variant Classification Scheme 2023. Collection method: clinical testing. Allele origin: germline.
Comment: The p.L1080F variant (also known as c.3238C>T), located in coding exon 15 of the TERT gene, results from a C to T substitution at nucleotide position 3238. The leucine at codon 1080 is replaced by phenylalanine, an amino acid with highly similar properties. This amino acid position is conserved. In addition, the in silico prediction for this alteration is inconclusive. Based on the available evidence, the clinical significance of this variant remains unclear.

NM_198253.3(TERT):c.3238C>T (p.Leu1080Phe)

Gene: TERT (telomerase reverse transcriptase; minus strand). Cytogenetic location: 5p15.33.
Variant type: single nucleotide variant.
Coding change: c.3238C>T on transcript NM_198253.3 (MANE Select); coding-DNA position 3238, C replaced by T.
Protein change: p.Leu1080Phe; replaces leucine 1080 with phenylalanine.
Molecular consequence: missense variant. On other transcripts: non-coding transcript variant (2).
Genome position (GRCh38, 1-based): chr5:1,254,425, G>A on the plus strand (C>T on the coding strand, the complement: TERT is on the minus strand). VCF-style: chr5-1254425-G-A. GRCh37 (hg19) VCF-style: chr5-1254540-G-A.
Other names: c.3049C>T, p.Leu1017Phe (NM_001193376.3); short protein forms L1080F, L1017F.
Identifiers: ClinVar variation 3967320 (VCV003967320.1).